The following is an entry in ClinVar:

ClinVar aggregate classification (germline): Uncertain significance. Review status: criteria provided, multiple submitters, no conflicts (2 of 4 stars). 2 submissions from 2 submitters: Uncertain significance (2). Last evaluated 2025-06-12.

Conditions:
Inborn genetic diseases. Identifiers: MedGen C0950123, MeSH D030342.

Submissions (2):

Ambry Genetics
Classification: Uncertain significance for Inborn genetic diseases. Last evaluated: 2025-06-12. Review status: criteria provided, single submitter. Criteria: Ambry Variant Classification Scheme 2023. Collection method: clinical testing. Allele origin: germline.

Labcorp Genetics (formerly Invitae), Labcorp
Classification: Uncertain significance. Last evaluated: 2022-03-24. Review status: criteria provided, single submitter. Criteria: Invitae Variant Classification Sherloc (09022015). Collection method: clinical testing. Allele origin: germline.
Comment: This sequence change replaces leucine, which is neutral and non-polar, with phenylalanine, which is neutral and non-polar, at codon 2376 of the MYO18B protein (p.Leu2376Phe). This variant is not present in population databases (gnomAD no frequency). This variant has not been reported in the literature in individuals affected with MYO18B-related conditions. Algorithms developed to predict the effect of missense changes on protein structure and function are either unavailable or do not agree on the potential impact of this missense change (SIFT: "Not Available"; PolyPhen-2: "Possibly Damaging"; Align-GVGD: "Not Available"). In summary, the available evidence is currently insufficient to determine the role of this variant in disease. Therefore, it has been classified as a Variant of Uncertain Significance.

NM_032608.7(MYO18B):c.7128G>T (p.Leu2376Phe)

Gene: MYO18B (myosin XVIIIB; plus strand). Cytogenetic location: 22q12.1.
Variant type: single nucleotide variant.
Coding change: c.7128G>T on transcript NM_032608.7 (MANE Select); coding-DNA position 7128, G replaced by T.
Protein change: p.Leu2376Phe; replaces leucine 2376 with phenylalanine.
Molecular consequence: missense variant.
Genome position (GRCh38, 1-based): chr22:26,027,102, G>T. VCF-style: chr22-26027102-G-T. GRCh37 (hg19) VCF-style: chr22-26423068-G-T.
Other names: c.7131G>T, p.Leu2377Phe (NM_001318245.2); c.7128G>T (NM_032608.5); short protein forms L2377F, L2376F.
Identifiers: ClinVar variation 2108030 (VCV002108030.5), dbSNP rs2518434250, ClinGen allele CA411011796.